The following is an entry in ClinVar:

NM_024753.5(TTC21B):c.552+139G>A

Genes: TTC21B (tetratricopeptide repeat domain 21B; minus strand), TTC21B-AS1 (TTC21B antisense RNA 1; plus strand). Cytogenetic location: 2q24.3.
Variant type: single nucleotide variant.
Coding change: c.552+139G>A on transcript NM_024753.5 (MANE Select); 139 bases into the intron after coding-DNA position 552, G replaced by A.
Molecular consequence: intron variant.
Genome position (GRCh38, 1-based): chr2:165,943,080, C>T on the plus strand (G>A on the coding strand, the complement: TTC21B is on the minus strand). VCF-style: chr2-165943080-C-T. GRCh37 (hg19) VCF-style: chr2-166799590-C-T.
Identifiers: ClinVar variation 678309 (VCV000678309.2), dbSNP rs114579734, ClinGen allele CA59765587.

ClinVar aggregate classification (germline): Likely benign. Review status: criteria provided, multiple submitters, no conflicts (2 of 4 stars). 2 submissions from 2 submitters: Likely benign (2). Last evaluated 2018-06-16.

Allele frequency attached by ClinVar (database versions not stated): gnomAD 0.01282 and 0.01369; 1000 Genomes Project 0.01398; 1000 Genomes Project 30x 0.01452; TOPMed 0.01480.
gnomAD v4.1: 3,189 of 794,412 alleles (0.4%); highest among the groups gnomAD compares: African/African-American, 4.3%; 47 homozygotes.

Submissions (2):

GeneDx
Classification: Likely benign. Last evaluated: 2018-06-16. Review status: criteria provided, single submitter. Criteria: GeneDx Variant Classification (06012015). Collection method: clinical testing. Allele origin: germline. Affected: yes.
Comment: This variant is considered likely benign or benign based on one or more of the following criteria: it is a conservative change, it occurs at a poorly conserved position in the protein, it is predicted to be benign by multiple in silico algorithms, and/or has population frequency not consistent with disease.

Breakthrough Genomics
Classification: Likely benign. Review status: criteria provided, single submitter. Criteria: ACMG Guidelines, 2015. Collection method: not provided. Allele origin: germline. Inheritance: Autosomal recessive inheritance. Affected: yes.